The following is an entry in ClinVar:

NM_000540.3(RYR1):c.10641G>C (p.Glu3547Asp)

Gene: RYR1 (ryanodine receptor 1; plus strand). Cytogenetic location: 19q13.2.
Variant type: single nucleotide variant.
Coding change: c.10641G>C on transcript NM_000540.3 (MANE Select); coding-DNA position 10641, G replaced by C.
Protein change: p.Glu3547Asp; replaces glutamic acid 3547 with aspartic acid.
Molecular consequence: missense variant.
Genome position (GRCh38, 1-based): chr19:38,527,007, G>C. VCF-style: chr19-38527007-G-C. GRCh37 (hg19) VCF-style: chr19-39017647-G-C.
Other names: c.10626G>C, p.Glu3542Asp (NM_001042723.2); short protein forms E3542D, E3547D.
Identifiers: ClinVar variation 3073226 (VCV003073226.1), dbSNP rs756958653, ClinGen allele CA054269.

ClinVar aggregate classification (germline): Uncertain significance (1 of 4 stars; one submission).

Conditions:
Malignant hyperthermia, susceptibility to, 1 (MHS1). Also called: Anesthesia related hyperthermia; Malignant hyperpyrexia; Fulminating hyperpyrexia; Pharmacogenic myopathy; RYR1-Related Malignant Hyperthermia Susceptibility; Malignant hyperthermia suceptibility 1. Identifiers: Orphanet 423, MedGen C2930980, MONDO:0007783, OMIM 145600.

Allele frequency attached by ClinVar (database versions not stated): ExAC 0.00001.
gnomAD v4.1: 3 of 1,613,974 alleles (0.00019%); highest among the groups gnomAD compares: Admixed American, 0.0033%; no homozygotes.

Submission:

All of Us Research Program, National Institutes of Health
Classification: Uncertain significance for Malignant hyperthermia, susceptibility to, 1. Last evaluated: 2023-08-28. Review status: criteria provided, single submitter. Criteria: ACMG Guidelines, 2015. Collection method: clinical testing. Allele origin: germline. Inheritance: Autosomal dominant inheritance. Observed: 1 variant allele, 1 heterozygote.
Comment: This missense variant replaces glutamic acid with aspartic acid at codon 3547 of the RYR1 protein. Computational prediction suggests that this variant may not impact protein structure and function (internally defined REVEL score threshold <= 0.5, PMID: 27666373). To our knowledge, functional studies have not been reported for this variant. This variant has not been reported in individuals affected with RYR1-related disorders in the literature. This variant has been identified in 1/251426 chromosomes in the general population by the Genome Aggregation Database (gnomAD). The available evidence is insufficient to determine the role of this variant in disease conclusively. Therefore, this variant is classified as a Variant of Uncertain Significance.

This study involves interpretation of variants in research participants for the purpose of population health screening. Participant phenotype was not available at the time of variant classification. Additional details can be found in publication PMID: 35346344, PMCID: PMC8962531